The following is an entry in ClinVar:

NM_003906.5(MCM3AP):c.895C>G (p.Arg299Gly)

Gene: MCM3AP (minichromosome maintenance complex component 3 associated protein; minus strand). Cytogenetic location: 21q22.3.
Variant type: single nucleotide variant.
Coding change: c.895C>G on transcript NM_003906.5 (MANE Select); coding-DNA position 895, C replaced by G.
Protein change: p.Arg299Gly; replaces arginine 299 with glycine.
Molecular consequence: missense variant.
Genome position (GRCh38, 1-based): chr21:46,284,392, G>C on the plus strand (C>G on the coding strand, the complement: MCM3AP is on the minus strand). VCF-style: chr21-46284392-G-C. GRCh37 (hg19) VCF-style: chr21-47704306-G-C.
Other names: short protein forms R299G.
Identifiers: ClinVar variation 1924089 (VCV001924089.5), dbSNP rs778151923, ClinGen allele CA410534148.

ClinVar aggregate classification (germline): Uncertain significance (1 of 4 stars; one submission).

gnomAD v4.1: 3 of 1,614,180 alleles (0.00019%); highest among the groups gnomAD compares: Admixed American, 0.0033%; no homozygotes.

Submission:

Labcorp Genetics (formerly Invitae), Labcorp
Classification: Uncertain significance. Last evaluated: 2022-04-04. Review status: criteria provided, single submitter. Criteria: Invitae Variant Classification Sherloc (09022015). Collection method: clinical testing. Allele origin: germline.
Comment: In summary, the available evidence is currently insufficient to determine the role of this variant in disease. Therefore, it has been classified as a Variant of Uncertain Significance. Algorithms developed to predict the effect of missense changes on protein structure and function are either unavailable or do not agree on the potential impact of this missense change (SIFT: "Tolerated"; PolyPhen-2: "Possibly Damaging"; Align-GVGD: "Class C0"). This variant has not been reported in the literature in individuals affected with MCM3AP-related conditions. This variant is present in population databases (no rsID available, gnomAD 0.006%). This sequence change replaces arginine, which is basic and polar, with glycine, which is neutral and non-polar, at codon 299 of the MCM3AP protein (p.Arg299Gly).